The following is an entry in ClinVar:

ClinVar aggregate classification (germline): Uncertain significance (1 of 4 stars; one submission).

Conditions:
Early Myoclonic Encephalopathy. Identifiers: MedGen C0270855.

Allele frequency attached by ClinVar (database versions not stated): TOPMed 0.00003; gnomAD 0.00001; gnomAD exomes 0.00001.
gnomAD v4.1: 13 of 1,613,728 alleles (0.00081%); highest among the groups gnomAD compares: Middle Eastern, 0.016%; no homozygotes.

Submission:

Labcorp Genetics (formerly Invitae), Labcorp
Classification: Uncertain significance for Early Myoclonic Encephalopathy. Last evaluated: 2023-11-17. Review status: criteria provided, single submitter. Criteria: Invitae Variant Classification Sherloc (09022015). Collection method: clinical testing. Allele origin: germline.
Comment: This sequence change replaces arginine, which is basic and polar, with cysteine, which is neutral and slightly polar, at codon 310 of the JMJD1C protein (p.Arg310Cys). This variant is present in population databases (no rsID available, gnomAD 0.003%). This variant has not been reported in the literature in individuals affected with JMJD1C-related conditions. ClinVar contains an entry for this variant (Variation ID: 940117). An algorithm developed to predict the effect of missense changes on protein structure and function (PolyPhen-2) suggests that this variant is likely to be disruptive. In summary, the available evidence is currently insufficient to determine the role of this variant in disease. Therefore, it has been classified as a Variant of Uncertain Significance.

NM_032776.3(JMJD1C):c.928C>T (p.Arg310Cys)

Gene: JMJD1C (jumonji domain containing 1C; minus strand). Cytogenetic location: 10q21.3.
Variant type: single nucleotide variant.
Coding change: c.928C>T on transcript NM_032776.3 (MANE Select); coding-DNA position 928, C replaced by T.
Protein change: p.Arg310Cys; replaces arginine 310 with cysteine.
Molecular consequence: missense variant. On other transcripts: non-coding transcript variant (1).
Genome position (GRCh38, 1-based): chr10:63,215,350, G>A on the plus strand (C>T on the coding strand, the complement: JMJD1C is on the minus strand). VCF-style: chr10-63215350-G-A. GRCh37 (hg19) VCF-style: chr10-64975110-G-A.
Other names: c.382C>T, p.Arg128Cys (NM_001282948.2, NM_001318154.2); c.64C>T, p.Arg22Cys (NM_001318153.2); c.814C>T, p.Arg272Cys (NM_001322252.2); c.271C>T, p.Arg91Cys (NM_001322254.2, NM_001322258.2); short protein forms R22C, R272C, R128C, R91C, R310C.
Identifiers: ClinVar variation 940117 (VCV000940117.9), dbSNP rs1250537353, ClinGen allele CA377051222.
Genomic context (GRCh38, chr10:63,215,350, plus strand): 5'-CCTCCTTCATCTTCTCTTCATCTGGTATACTGCTATCTGAGCCCTTCCTCTTATTTGGAC[G>A]GATACTTCTTTGTTGCTGTTGCTGGTGTGTATTCTGTTTTGGTACAGCAGCTTGGGAGTT-3'
Protein context (NP_116165.1, residues 300-320): THQQQQQRSI[Arg310Cys]PNKRKGSDSS